The following is an entry in ClinVar:

ClinVar aggregate classification (germline): Uncertain significance (1 of 4 stars; one submission).

Conditions:
Joubert syndrome 25 (JBTS25). Identifiers: Orphanet 475, MedGen C4084842, MONDO:0014770, OMIM 616781.

Allele frequency attached by ClinVar (database versions not stated): gnomAD exomes below 0.00001; gnomAD 0.00001.
gnomAD v4.1: 2 of 1,612,820 alleles (0.00012%); highest among the groups gnomAD compares: Non-Finnish European, 0.00017%; no homozygotes.

Submission:

Labcorp Genetics (formerly Invitae), Labcorp
Classification: Uncertain significance for Joubert syndrome 25. Last evaluated: 2022-10-31. Review status: criteria provided, single submitter. Criteria: Invitae Variant Classification Sherloc (09022015). Collection method: clinical testing. Allele origin: germline.
Comment: This sequence change replaces methionine, which is neutral and non-polar, with lysine, which is basic and polar, at codon 400 of the CEP104 protein (p.Met400Lys). In summary, the available evidence is currently insufficient to determine the role of this variant in disease. Therefore, it has been classified as a Variant of Uncertain Significance. Algorithms developed to predict the effect of missense changes on protein structure and function output the following: SIFT: "Tolerated"; PolyPhen-2: "Benign"; Align-GVGD: "Class C0". The lysine amino acid residue is found in multiple mammalian species, which suggests that this missense change does not adversely affect protein function. This variant has not been reported in the literature in individuals affected with CEP104-related conditions. This variant is not present in population databases (gnomAD no frequency).

NM_014704.4(CEP104):c.1199T>A (p.Met400Lys)

Gene: CEP104 (centrosomal protein 104; minus strand). Cytogenetic location: 1p36.32.
Variant type: single nucleotide variant.
Coding change: c.1199T>A on transcript NM_014704.4 (MANE Select); coding-DNA position 1199, T replaced by A.
Protein change: p.Met400Lys; replaces methionine 400 with lysine.
Molecular consequence: missense variant.
Genome position (GRCh38, 1-based): chr1:3,836,613, A>T on the plus strand (T>A on the coding strand, the complement: CEP104 is on the minus strand). VCF-style: chr1-3836613-A-T. GRCh37 (hg19) VCF-style: chr1-3753177-A-T.
Other names: short protein forms M400K.
Identifiers: ClinVar variation 2176079 (VCV002176079.4), dbSNP rs1644319704, ClinGen allele CA338041871.